The following is an entry in ClinVar:

ClinVar aggregate classification (germline): Uncertain significance (1 of 4 stars; one submission).

Conditions:
Cortical dysplasia-focal epilepsy syndrome (PTHSL1). Also called: Pitt-Hopkins-like syndrome 1. Identifiers: Orphanet 163681, Orphanet 221150, MedGen C2750246, MONDO:0012400, OMIM 610042.

Submission:

Labcorp Genetics (formerly Invitae), Labcorp
Classification: Uncertain significance for Cortical dysplasia-focal epilepsy syndrome. Last evaluated: 2021-01-09. Review status: criteria provided, single submitter. Criteria: Invitae Variant Classification Sherloc (09022015). Collection method: clinical testing. Allele origin: germline.
Comment: Algorithms developed to predict the effect of missense changes on protein structure and function are either unavailable or do not agree on the potential impact of this missense change (SIFT: "Deleterious"; PolyPhen-2: "Probably Damaging"; Align-GVGD: "Class C0"). This sequence change replaces lysine with methionine at codon 64 of the CNTNAP2 protein (p.Lys64Met). The lysine residue is moderately conserved and there is a moderate physicochemical difference between lysine and methionine. This variant is not present in population databases (ExAC no frequency). This variant has not been reported in the literature in individuals with CNTNAP2-related conditions. In summary, the available evidence is currently insufficient to determine the role of this variant in disease. Therefore, it has been classified as a Variant of Uncertain Significance.

NM_014141.6(CNTNAP2):c.191A>T (p.Lys64Met)

Gene: CNTNAP2 (contactin associated protein 2; plus strand). Cytogenetic location: 7q35.
Variant type: single nucleotide variant.
Coding change: c.191A>T on transcript NM_014141.6 (MANE Select); coding-DNA position 191, A replaced by T.
Protein change: p.Lys64Met; replaces lysine 64 with methionine.
Molecular consequence: missense variant.
Genome position (GRCh38, 1-based): chr7:146,774,364, A>T. VCF-style: chr7-146774364-A-T. GRCh37 (hg19) VCF-style: chr7-146471456-A-T.
Other names: short protein forms K64M.
Identifiers: ClinVar variation 1515647 (VCV001515647.8), dbSNP rs2129185984, ClinGen allele CA369922407.
Genomic context (GRCh38, chr7:146,774,364, plus strand): 5'-CCCATGTGGCTTTCAGCAGCTCCTCCTCCATCTCTGGTAGCTATTCTCCCGGCTATGCCA[A>T]GATAAACAAGAGAGGAGGTAAGCCAAATTTTGATTCTTTTATCAATAAACATGTTAAATA-3'
Protein context (NP_054860.1, residues 54-74): ISGSYSPGYA[Lys64Met]INKRGGAGGW